The following is an entry in ClinVar:

NM_001384474.1(LOXHD1):c.5273T>A (p.Val1758Asp)

Gene: LOXHD1 (lipoxygenase homology PLAT domains 1; minus strand). Cytogenetic location: 18q21.1.
Variant type: single nucleotide variant.
Coding change: c.5273T>A on transcript NM_001384474.1 (MANE Select); coding-DNA position 5273, T replaced by A.
Protein change: p.Val1758Asp; replaces valine 1758 with aspartic acid.
Molecular consequence: missense variant. On other transcripts: 5 prime UTR variant (2).
Genome position (GRCh38, 1-based): chr18:46,518,255, A>T on the plus strand (T>A on the coding strand, the complement: LOXHD1 is on the minus strand). VCF-style: chr18-46518255-A-T. GRCh37 (hg19) VCF-style: chr18-44098218-A-T.
Other names: c.1940T>A, p.Val647Asp (NM_001145472.3); c.-11T>A (NM_001145473.3, NM_001173129.2); c.1652T>A, p.Val551Asp (NM_001308013.2); c.5087T>A, p.Val1696Asp (NM_144612.7); short protein forms V1696D, V551D, V647D, V1758D.
Identifiers: ClinVar variation 163899 (VCV000163899.5), dbSNP rs727503139, ClinGen allele CA176617.

ClinVar aggregate classification (germline): Uncertain significance. Review status: criteria provided, single submitter (1 of 4 stars). 2 submissions from 2 submitters: Uncertain significance (1). 1 of the submissions does not count toward it. Last evaluated 2014-02-27.

Conditions:
Autosomal recessive nonsyndromic hearing loss 77. Identifiers: Orphanet 90636, MedGen C2746083, MONDO:0013119, OMIM 613079.

Allele frequency attached by ClinVar (database versions not stated): gnomAD exomes below 0.00001; gnomAD 0.00001; TOPMed 0.00001.
gnomAD v4.1: 9 of 1,551,026 alleles (0.00058%); highest among the groups gnomAD compares: African/African-American, 0.0014%; no homozygotes.

Submissions (2):

Laboratory for Molecular Medicine, Mass General Brigham Personalized Medicine
Classification: Uncertain significance. Last evaluated: 2014-02-27. Review status: criteria provided, single submitter. Criteria: LMM Criteria. Collection method: clinical testing. Allele origin: germline. Observed: 1 variant allele.
Comment: The Val1696Asp variant in LOXHD1 has not been previously reported in individuals with hearing loss and was absent from large population studies. Computational p rediction tools and conservation analyses do not provide strong support for or a gainst an impact to the protein. In summary, additional information is needed to determine the clinical significance of this variant.

Natera, Inc.
Classification: Uncertain significance for Autosomal recessive deafness type 77. Last evaluated: 2020-12-17. Review status: no assertion criteria provided. Collection method: clinical testing. Allele origin: germline. Not counted in ClinVar's aggregate classification.